The following is an entry in ClinVar:

NM_002485.5(NBN):c.1594G>A (p.Val532Met)

Gene: NBN (nibrin; minus strand). Cytogenetic location: 8q21.3.
Variant type: single nucleotide variant.
Coding change: c.1594G>A on transcript NM_002485.5 (MANE Select); coding-DNA position 1594, G replaced by A.
Protein change: p.Val532Met; replaces valine 532 with methionine.
Molecular consequence: missense variant.
Genome position (GRCh38, 1-based): chr8:89,953,495, C>T on the plus strand (G>A on the coding strand, the complement: NBN is on the minus strand). VCF-style: chr8-89953495-C-T. GRCh37 (hg19) VCF-style: chr8-90965723-C-T.
Other names: c.1348G>A, p.Val450Met (NM_001024688.3); short protein forms V532M, V450M.
Identifiers: ClinVar variation 418889 (VCV000418889.17), dbSNP rs545435120, ClinGen allele CA4802701.

ClinVar aggregate classification (germline): Conflicting classifications of pathogenicity. Review status: criteria provided, conflicting classifications (1 of 4 stars). 5 submissions from 5 submitters: Uncertain significance (4); Likely benign (1). Last evaluated 2024-03-27.

Conditions:
Hereditary cancer-predisposing syndrome. Also called: Hereditary neoplastic syndrome; Hereditary Cancer Syndrome; Neoplastic Syndromes, Hereditary; Tumor predisposition. Identifiers: Orphanet 140162, MedGen C0027672, MeSH D009386, MONDO:0015356.
Microcephaly, normal intelligence and immunodeficiency (NBS). Also called: BERLIN BREAKAGE SYNDROME; SEEMANOVA SYNDROME II; Immunodeficiency, microcephaly with normal intelligence; Nijmegen breakage syndrome; Microcephaly with normal intelligence immunodeficiency and lymphoreticular malignancies; Nonsyndromal microcephaly autosomal recessive with normal intelligence. Identifiers: Orphanet 647, MedGen C0398791, MONDO:0009623, OMIM 251260.

Allele frequency attached by ClinVar (database versions not stated): gnomAD below 0.00001; TOPMed 0.00001.
gnomAD v4.1: 19 of 1,613,460 alleles (0.0012%); highest among the groups gnomAD compares: South Asian, 0.019%; no homozygotes.

Submissions (5):

Ambry Genetics
Classification: Likely benign for Hereditary cancer-predisposing syndrome. Last evaluated: 2024-03-27. Review status: criteria provided, single submitter. Criteria: Ambry Variant Classification Scheme 2023. Collection method: clinical testing. Allele origin: germline.

GeneDx
Classification: Uncertain significance. Last evaluated: 2023-06-14. Review status: criteria provided, single submitter. Criteria: GeneDx Variant Classification Process June 2021. Collection method: clinical testing. Allele origin: germline. Affected: yes.
Comment: Not observed at significant frequency in large population cohorts (gnomAD); In silico analysis supports that this missense variant does not alter protein structure/function; Not observed in any cases, but was observed in unaffected controls from a breast study (Dorling et al., 2021); This variant is associated with the following publications: (PMID: 33471991)

Labcorp Genetics (formerly Invitae), Labcorp
Classification: Uncertain significance for Microcephaly, normal intelligence and immunodeficiency. Last evaluated: 2022-09-28. Review status: criteria provided, single submitter. Criteria: Invitae Variant Classification Sherloc (09022015). Collection method: clinical testing. Allele origin: germline.
Comment: This sequence change replaces valine, which is neutral and non-polar, with methionine, which is neutral and non-polar, at codon 532 of the NBN protein (p.Val532Met). This variant is present in population databases (rs545435120, gnomAD 0.01%). This variant has not been reported in the literature in individuals affected with NBN-related conditions. ClinVar contains an entry for this variant (Variation ID: 418889). Algorithms developed to predict the effect of missense changes on protein structure and function output the following: SIFT: "Tolerated"; PolyPhen-2: "Benign"; Align-GVGD: "Class C0". The methionine amino acid residue is found in multiple mammalian species, which suggests that this missense change does not adversely affect protein function. In summary, the available evidence is currently insufficient to determine the role of this variant in disease. Therefore, it has been classified as a Variant of Uncertain Significance.

Sema4
Classification: Uncertain significance for Hereditary cancer-predisposing syndrome. Last evaluated: 2021-12-08. Review status: criteria provided, single submitter. Criteria: Sema4 Curation Guidelines. Collection method: curation. Allele origin: germline.
Comment: The NBN c.1594G>A (p.V532M) variant has not been reported in the literature to our knowledge. It has been reported in a large case-control study of breast cancer in 0/60466 cases and 1/53461 controls (PMID: 33471991). It was observed in 3/30592 chromosomes of the South Asian (SAS) subpopulation in the large and broad cohorts of the Genome Aggregation Database (PMID: 32461654). This variant has been reported in ClinVar (Variation ID: 418889). In silico tools suggest the impact of the variant on protein function is benign, though these predictions have not been confirmed by functional studies. The evidence is insufficient to meet ACMG/AMP criteria for classifying the variant as benign or pathogenic. Thus, the clinical significance of this variant is currently uncertain.

Genome-Nilou Lab
Classification: Uncertain significance for Microcephaly, normal intelligence and immunodeficiency. Last evaluated: 2021-11-07. Review status: criteria provided, single submitter. Criteria: ACMG Guidelines, 2015. Collection method: clinical testing. Allele origin: germline. Affected: no.

Literature cited by the submitters: PubMed 33471991 (cited by Sema4).